The following is an entry in ClinVar:

ClinVar aggregate classification (germline): Uncertain significance (1 of 4 stars; one submission).

Conditions:
Cystinuria (CSNU). Also called: Cystinuria, non-type I; CYSTINURIA, TYPE I; CYSTINURIA, TYPE II; CYSTINURIA, TYPE III. Identifiers: Orphanet 214, MedGen C0010691, MONDO:0009067, OMIM 220100, HP:0003131.

Submission:

3billion
Classification: Uncertain significance for Cystinuria. Last evaluated: 2025-08-31. Review status: criteria provided, single submitter. Criteria: ACMG Guidelines, 2015. Collection method: clinical testing. Allele origin: germline. Affected: yes.
Comment: The variant is not observed in the gnomAD v4.1.0 dataset. Predicted Consequence/Location: Missense variant In silico tool predictions suggest damaging effect of the variant on gene or gene product [REVEL: 0.83 (>=0.6, sensitivity 0.68 and specificity 0.92)]. Therefore, this variant is classified as VUS according to the recommendation of ACMG/AMP guideline.

NM_014270.5(SLC7A9):c.995G>A (p.Gly332Asp)

Gene: SLC7A9 (solute carrier family 7 member 9; minus strand). Cytogenetic location: 19q13.11.
Variant type: single nucleotide variant.
Coding change: c.995G>A on transcript NM_014270.5 (MANE Select); coding-DNA position 995, G replaced by A.
Protein change: p.Gly332Asp; replaces glycine 332 with aspartic acid.
Molecular consequence: missense variant.
Genome position (GRCh38, 1-based): chr19:32,843,934, C>T on the plus strand (G>A on the coding strand, the complement: SLC7A9 is on the minus strand). VCF-style: chr19-32843934-C-T. GRCh37 (hg19) VCF-style: chr19-33334840-C-T.
Other names: c.995G>A, p.Gly332Asp (NM_001126335.2, NM_001243036.2); short protein forms G332D.
Identifiers: ClinVar variation 4854836 (VCV004854836.1).